The following is an entry in ClinVar:

ClinVar aggregate classification (germline): Uncertain significance (1 of 4 stars; one submission).

Conditions:
Emery-Dreifuss muscular dystrophy 4, autosomal dominant (EDMD4). Also called: EMERY-DREIFUSS MUSCULAR DYSTROPHY 4 WITH VARIABLE FEATURES. Identifiers: Orphanet 261, MedGen C2751807, MONDO:0013071, OMIM 612998.
Autosomal recessive ataxia, Beauce type. Also called: Spinocerebellar ataxia, autosomal recessive 8; ATAXIA, RECESSIVE, OF BEAUCE; SYNE1-Related Autosomal Recessive Cerebellar Ataxia; SYNE1 Deficiency. Identifiers: Orphanet 88644, MedGen C1853116, MONDO:0012549, OMIM 610743.

Submission:

Labcorp Genetics (formerly Invitae), Labcorp
Classification: Uncertain significance for Emery-Dreifuss muscular dystrophy 4, autosomal dominant; Autosomal recessive ataxia, Beauce type. Last evaluated: 2022-08-11. Review status: criteria provided, single submitter. Criteria: Invitae Variant Classification Sherloc (09022015). Collection method: clinical testing. Allele origin: germline.
Comment: This variant has not been reported in the literature in individuals affected with SYNE1-related conditions. This variant is not present in population databases (gnomAD no frequency). This sequence change replaces glutamine, which is neutral and polar, with lysine, which is basic and polar, at codon 2312 of the SYNE1 protein (p.Gln2312Lys). In summary, the available evidence is currently insufficient to determine the role of this variant in disease. Therefore, it has been classified as a Variant of Uncertain Significance. Algorithms developed to predict the effect of missense changes on protein structure and function are either unavailable or do not agree on the potential impact of this missense change (SIFT: "Deleterious"; PolyPhen-2: "Benign"; Align-GVGD: "Class C45").

NM_182961.4(SYNE1):c.6913C>A (p.Gln2305Lys)

Gene: SYNE1 (spectrin repeat containing nuclear envelope protein 1; minus strand). Cytogenetic location: 6q25.2.
Variant type: single nucleotide variant.
Coding change: c.6913C>A on transcript NM_182961.4 (MANE Select); coding-DNA position 6913, C replaced by A.
Protein change: p.Gln2305Lys; replaces glutamine 2305 with lysine.
Molecular consequence: missense variant.
Genome position (GRCh38, 1-based): chr6:152,401,254, G>T on the plus strand (C>A on the coding strand, the complement: SYNE1 is on the minus strand). VCF-style: chr6-152401254-G-T. GRCh37 (hg19) VCF-style: chr6-152722389-G-T.
Other names: c.6934C>A, p.Gln2312Lys (NM_033071.5); short protein forms Q2312K, Q2305K.
Identifiers: ClinVar variation 2180732 (VCV002180732.4), dbSNP rs2494339123, ClinGen allele CA366119945.